The following is an entry in ClinVar:

NM_004260.4(RECQL4):c.2339G>T (p.Arg780Leu)

Gene: RECQL4 (RecQ like helicase 4; minus strand). Cytogenetic location: 8q24.3.
Variant type: single nucleotide variant.
Coding change: c.2339G>T on transcript NM_004260.4 (MANE Select); coding-DNA position 2339, G replaced by T.
Protein change: p.Arg780Leu; replaces arginine 780 with leucine.
Molecular consequence: missense variant.
Genome position (GRCh38, 1-based): chr8:144,513,342, C>A on the plus strand (G>T on the coding strand, the complement: RECQL4 is on the minus strand). VCF-style: chr8-144513342-C-A. GRCh37 (hg19) VCF-style: chr8-145738725-C-A.
Other names: short protein forms R780L.
Identifiers: ClinVar variation 642237 (VCV000642237.7), dbSNP rs369488194, ClinGen allele CA4948328.
Genomic context (GRCh38, chr8:144,513,342, plus strand): 5'-TGCACGTAGCTCTCGAAGCTTGGGGGCAGCCCCAGATGCAGCACAGCCCGCACATCTGGC[C>A]GGTCCAGCCCCATCCCAAAGGCCACCGTGGCCACCACCACCCGCAACTGGCCCTGCATGA-3'
Protein context (NP_004251.4, residues 770-790): ATVAFGMGLD[Arg780Leu]PDVRAVLHLG

ClinVar aggregate classification (germline): Uncertain significance (1 of 4 stars; one submission).

Conditions:
Baller-Gerold syndrome (BGS). Also called: CRANIOSYNOSTOSIS WITH RADIAL DEFECTS. Identifiers: Orphanet 1225, MedGen C0265308, MONDO:0009039, OMIM 218600.

Allele frequency attached by ClinVar (database versions not stated): ESP Exome Variant Server 0.00016.
gnomAD v4.1: 43 of 1,604,396 alleles (0.0027%); highest among the groups gnomAD compares: Non-Finnish European, 0.0035%; no homozygotes.

Submission:

Labcorp Genetics (formerly Invitae), Labcorp
Classification: Uncertain significance for Baller-Gerold syndrome. Last evaluated: 2025-09-10. Review status: criteria provided, single submitter. Criteria: Invitae Variant Classification Sherloc (09022015). Collection method: clinical testing. Allele origin: germline.
Comment: This sequence change replaces arginine, which is basic and polar, with leucine, which is neutral and non-polar, at codon 780 of the RECQL4 protein (p.Arg780Leu). The frequency data for this variant in the population databases is considered unreliable, as metrics indicate poor data quality at this position in the gnomAD database. This variant has not been reported in the literature in individuals affected with RECQL4-related conditions. ClinVar contains an entry for this variant (Variation ID: 642237). Invitae Evidence Modeling of protein sequence and biophysical properties (such as structural, functional, and spatial information, amino acid conservation, physicochemical variation, residue mobility, and thermodynamic stability) indicates that this missense variant is expected to disrupt RECQL4 protein function with a positive predictive value of 80%. In summary, the available evidence is currently insufficient to determine the role of this variant in disease. Therefore, it has been classified as a Variant of Uncertain Significance.